The following is an entry in ClinVar:

ClinVar aggregate classification (germline): Uncertain significance (1 of 4 stars; one submission).

Allele frequency attached by ClinVar (database versions not stated): gnomAD 0.00001; gnomAD exomes 0.00001; ExAC 0.00004; 1000 Genomes Project 30x 0.00021.

Submission:

GeneDx
Classification: Uncertain significance. Last evaluated: 2019-11-30. Review status: criteria provided, single submitter. Criteria: GeneDx Variant Classification Process June 2021. Collection method: clinical testing. Allele origin: germline. Affected: yes.
Comment: In silico analysis, which includes protein predictors and evolutionary conservation, supports that this variant does not alter protein structure/function; Has not been previously published as pathogenic or benign to our knowledge

NM_001099922.3(ALG13):c.2834C>T (p.Pro945Leu)

Gene: ALG13 (ALG13 UDP-N-acetylglucosaminyltransferase subunit; plus strand). Cytogenetic location: Xq23.
Variant type: single nucleotide variant.
Coding change: c.2834C>T on transcript NM_001099922.3 (MANE Select); coding-DNA position 2834, C replaced by T.
Protein change: p.Pro945Leu; replaces proline 945 with leucine.
Molecular consequence: missense variant. On other transcripts: intron variant (5).
Genome position (GRCh38, 1-based): chrX:111,744,806, C>T. VCF-style: chrX-111744806-C-T. GRCh37 (hg19) VCF-style: chrX-110988034-C-T.
Other names: c.2600C>T, p.Pro867Leu (NM_001257231.2); c.2383+7927C>T (NM_001257237.2, NM_001257234.2, NM_001257230.2); c.2209+7927C>T (NM_001324293.1); c.2695+7927C>T (NM_001324292.2); short protein forms P867L, P945L.
Identifiers: ClinVar variation 1310721 (VCV001310721.2), dbSNP rs752969214, ClinGen allele CA10493988.